The following is an entry in ClinVar:

ClinVar aggregate classification (germline): Likely benign. Review status: criteria provided, multiple submitters, no conflicts (2 of 4 stars). 3 submissions from 3 submitters: Likely benign (3). Last evaluated 2025-02-26.

Conditions:
Familial thoracic aortic aneurysm and aortic dissection (TAAD). Also called: Thoracic aortic aneurysms and dissections. Identifiers: Orphanet 91387, MedGen C4707243, MONDO:0019625.
Marfan syndrome (MFS). Also called: MARFAN SYNDROME, TYPE I; Marfan syndrome type 1; Marfan's syndrome; Marfan syndrome, classic; FBN1-Related Marfan Syndrome. Identifiers: Orphanet 284963, Orphanet 558, MedGen C0024796, MONDO:0007947, OMIM 154700.

Allele frequency attached by ClinVar (database versions not stated): gnomAD exomes below 0.00001; gnomAD 0.00001; ExAC 0.00001; TOPMed 0.00003.
gnomAD v4.1: 3 of 1,613,982 alleles (0.00019%); highest among the groups gnomAD compares: African/African-American, 0.004%; no homozygotes.

Submissions (3):

Labcorp Genetics (formerly Invitae), Labcorp
Classification: Likely benign for Marfan syndrome; Familial thoracic aortic aneurysm and aortic dissection. Last evaluated: 2025-02-26. Review status: criteria provided, single submitter. Criteria: Invitae Variant Classification Sherloc (09022015). Collection method: clinical testing. Allele origin: germline.

All of Us Research Program, National Institutes of Health
Classification: Likely benign for Marfan syndrome. Last evaluated: 2023-10-02. Review status: criteria provided, single submitter. Criteria: ACMG Guidelines, 2015. Collection method: clinical testing. Allele origin: germline. Inheritance: Autosomal dominant inheritance. Observed: 1 variant allele, 1 heterozygote.
Comment: This study involves interpretation of variants in research participants for the purpose of population health screening. Participant phenotype was not available at the time of variant classification. Additional details can be found in publication PMID: 35346344, PMCID: PMC8962531

Color Diagnostics, LLC DBA Color Health
Classification: Likely benign for Familial thoracic aortic aneurysm and aortic dissection. Last evaluated: 2023-09-21. Review status: criteria provided, single submitter. Criteria: ACMG Guidelines, 2015. Collection method: clinical testing. Allele origin: germline.

NM_000138.5(FBN1):c.4088-8T>C

Gene: FBN1 (fibrillin 1; minus strand). Cytogenetic location: 15q21.1.
Variant type: single nucleotide variant.
Coding change: c.4088-8T>C on transcript NM_000138.5 (MANE Select); 8 bases into the intron before coding-DNA position 4088, T replaced by C.
Molecular consequence: intron variant.
Genome position (GRCh38, 1-based): chr15:48,474,385, A>G on the plus strand (T>C on the coding strand, the complement: FBN1 is on the minus strand). VCF-style: chr15-48474385-A-G. GRCh37 (hg19) VCF-style: chr15-48766582-A-G.
Identifiers: ClinVar variation 1911950 (VCV001911950.7), dbSNP rs780882174, ClinGen allele CA052050.
Genomic context (GRCh38, chr15:48,474,385, plus strand): 5'-GCAGTCTGCATGCTGGCTGCACATATGGGTTCCATTGGAACATTCGTCCAGATCTTATAG[A>G]AAAAGGTTATATCATTATTAACAGAAAGGGTGGTATTTAAAACCAATAATACACAAATTA-3'